The following is an entry in ClinVar:

ClinVar aggregate classification (germline): Uncertain significance. Review status: criteria provided, single submitter (1 of 4 stars). 2 submissions from 2 submitters: Uncertain significance (1). 1 of the submissions does not count toward it. Last evaluated 2024-10-29.

Allele frequency attached by ClinVar (database versions not stated): TOPMed below 0.00001; ExAC 0.00001; gnomAD 0.00001; gnomAD exomes 0.00001.
gnomAD v4.1: 12 of 1,614,042 alleles (0.00074%); highest among the groups gnomAD compares: African/African-American, 0.0027%; no homozygotes.

Submissions (2):

Labcorp Genetics (formerly Invitae), Labcorp
Classification: Uncertain significance. Last evaluated: 2024-10-29. Review status: criteria provided, single submitter. Criteria: Invitae Variant Classification Sherloc (09022015). Collection method: clinical testing. Allele origin: germline.
Comment: This sequence change replaces threonine, which is neutral and polar, with methionine, which is neutral and non-polar, at codon 745 of the JAK1 protein (p.Thr745Met). This variant is present in population databases (rs587778407, gnomAD 0.003%). This variant has not been reported in the literature in individuals affected with JAK1-related conditions. ClinVar contains an entry for this variant (Variation ID: 134543). Invitae Evidence Modeling of protein sequence and biophysical properties (such as structural, functional, and spatial information, amino acid conservation, physicochemical variation, residue mobility, and thermodynamic stability) indicates that this missense variant is not expected to disrupt JAK1 protein function with a negative predictive value of 80%. In summary, the available evidence is currently insufficient to determine the role of this variant in disease. Therefore, it has been classified as a Variant of Uncertain Significance.

ITMI
No classification provided. Condition: AllHighlyPenetrant. Last evaluated: 2013-09-19. Review status: no classification provided. Collection method: reference population. Allele origin: germline. Not counted in ClinVar's aggregate classification.
Comment: Please see associated publication for description of ethnicities

Literature cited by the submitters: PubMed 24728327 (cited by ITMI).

NM_002227.4(JAK1):c.2234C>T (p.Thr745Met)

Gene: JAK1 (Janus kinase 1; minus strand). Cytogenetic location: 1p31.3.
Variant type: single nucleotide variant.
Coding change: c.2234C>T on transcript NM_002227.4 (MANE Select); coding-DNA position 2234, C replaced by T.
Protein change: p.Thr745Met; replaces threonine 745 with methionine.
Molecular consequence: missense variant.
Genome position (GRCh38, 1-based): chr1:64,844,771, G>A on the plus strand (C>T on the coding strand, the complement: JAK1 is on the minus strand). VCF-style: chr1-64844771-G-A. GRCh37 (hg19) VCF-style: chr1-65310454-G-A.
Other names: c.2234C>T, p.Thr745Met (NM_001320923.2, NM_001321852.2, NM_001321853.2 and 3 more transcripts); c.2231C>T, p.Thr744Met (NM_001321857.2); short protein forms T745M, T744M.
Identifiers: ClinVar variation 134543 (VCV000134543.3), dbSNP rs587778407, ClinGen allele CA160142.
Genomic context (GRCh38, chr1:64,844,771, plus strand): 5'-CCTGACTCGGGGTGGGGCCAGAGGGAAGAGAGGGGAGACACACCTTGCCTAGACAGCACC[G>A]TAATGGGGATGCCGGGGTCACTGAGCTTGATGAATGGGCCACACTCACTGTCGATGCCCT-3'
Protein context (NP_002218.2, residues 735-755): IKLSDPGIPI[Thr745Met]VLSRQECIER